The following is an entry in ClinVar:

ClinVar aggregate classification (germline): Uncertain significance (1 of 4 stars; one submission).

Conditions:
Cortical dysplasia-focal epilepsy syndrome (PTHSL1). Also called: Pitt-Hopkins-like syndrome 1. Identifiers: Orphanet 163681, Orphanet 221150, MedGen C2750246, MONDO:0012400, OMIM 610042.

Submission:

Labcorp Genetics (formerly Invitae), Labcorp
Classification: Uncertain significance for Cortical dysplasia-focal epilepsy syndrome. Last evaluated: 2022-03-19. Review status: criteria provided, single submitter. Criteria: Invitae Variant Classification Sherloc (09022015). Collection method: clinical testing. Allele origin: germline.
Comment: This variant is not present in population databases (gnomAD no frequency). In summary, the available evidence is currently insufficient to determine the role of this variant in disease. Therefore, it has been classified as a Variant of Uncertain Significance. Algorithms developed to predict the effect of missense changes on protein structure and function are either unavailable or do not agree on the potential impact of this missense change (SIFT: "Deleterious"; PolyPhen-2: "Benign"; Align-GVGD: "Class C0"). This variant has not been reported in the literature in individuals affected with CNTNAP2-related conditions. This sequence change replaces valine, which is neutral and non-polar, with alanine, which is neutral and non-polar, at codon 386 of the CNTNAP2 protein (p.Val386Ala).

NM_014141.6(CNTNAP2):c.1157T>C (p.Val386Ala)

Gene: CNTNAP2 (contactin associated protein 2; plus strand). Cytogenetic location: 7q35.
Variant type: single nucleotide variant.
Coding change: c.1157T>C on transcript NM_014141.6 (MANE Select); coding-DNA position 1157, T replaced by C.
Protein change: p.Val386Ala; replaces valine 386 with alanine.
Molecular consequence: missense variant.
Genome position (GRCh38, 1-based): chr7:147,132,318, T>C. VCF-style: chr7-147132318-T-C. GRCh37 (hg19) VCF-style: chr7-146829410-T-C.
Other names: short protein forms V386A.
Identifiers: ClinVar variation 1482364 (VCV001482364.8), dbSNP rs2129285278, ClinGen allele CA369924606.
Genomic context (GRCh38, chr7:147,132,318, plus strand): 5'-TTTCTTGTGTGGAACCCTATACGGTGCCTGTCTTTTTCAACGCTACAAGTTACCTGGAGG[T>C]GCCCGGACGGCTTAACCAGGACCTGTTCTCAGTCAGTTTCCAGTTTAGGACATGGAACCC-3'
Protein context (NP_054860.1, residues 376-396): VFFNATSYLE[Val386Ala]PGRLNQDLFS